The following is an entry in ClinVar:

NM_021964.3(ZNF148):c.1699G>A (p.Val567Met)

Genes: ZNF148 (zinc finger protein 148; minus strand), LOC126806798 (P300/CBP strongly-dependent group 1 enhancer GRCh37_chr3:124950809-124952008; plus strand). Cytogenetic location: 3q21.2.
Variant type: single nucleotide variant.
Coding change: c.1699G>A on transcript NM_021964.3 (MANE Select); coding-DNA position 1699, G replaced by A.
Protein change: p.Val567Met; replaces valine 567 with methionine.
Molecular consequence: missense variant.
Genome position (GRCh38, 1-based): chr3:125,233,027, C>T on the plus strand (G>A on the coding strand, the complement: ZNF148 is on the minus strand). VCF-style: chr3-125233027-C-T. GRCh37 (hg19) VCF-style: chr3-124951871-C-T.
Other names: c.1699G>A, p.Val567Met (NM_001348424.1, NM_001348425.2, NM_001348426.2 and 7 more transcripts); c.1573G>A, p.Val525Met (NM_001348434.2); short protein forms V525M, V567M.
Identifiers: ClinVar variation 2636858 (VCV002636858.1), dbSNP rs2472624112, ClinGen allele CA354294748.

ClinVar aggregate classification (germline): Uncertain significance (1 of 4 stars; one submission).

Conditions:
ZNF148-related disorder. Also called: ZNF148-related condition.

Allele frequency attached by ClinVar (database versions not stated): gnomAD exomes below 0.00001.
gnomAD v4.1: 3 of 1,613,564 alleles (0.00019%); highest among the groups gnomAD compares: South Asian, 0.0011%; no homozygotes.

Submission:

PreventionGenetics, part of Exact Sciences
Classification: Uncertain significance for ZNF148-related condition. Last evaluated: 2023-02-07. Review status: criteria provided, single submitter. Criteria: ACMG Guidelines, 2015. Collection method: clinical testing. Allele origin: germline.
Comment: The ZNF148 c.1699G>A variant is predicted to result in the amino acid substitution p.Val567Met. To our knowledge, this variant has not been reported in the literature or in a large population database, indicating this variant is rare. At this time, the clinical significance of this variant is uncertain due to the absence of conclusive functional and genetic evidence.